The following is an entry in ClinVar:

ClinVar aggregate classification (germline): Likely pathogenic (1 of 4 stars; one submission).

Submission:

Labcorp Genetics (formerly Invitae), Labcorp
Classification: Likely pathogenic. Last evaluated: 2025-12-07. Review status: criteria provided, single submitter. Criteria: Invitae Variant Classification Sherloc (09022015). Collection method: clinical testing. Allele origin: germline.
Comment: This sequence change affects an acceptor splice site in intron 19 of the PCDH15 gene. It is expected to disrupt RNA splicing. Variants that disrupt the donor or acceptor splice site typically lead to a loss of protein function (PMID: 16199547), and loss-of-function variants in PCDH15 are known to be pathogenic (PMID: 11398101, 11487575, 14570705). This variant is not present in population databases (gnomAD no frequency). This variant has not been reported in the literature in individuals affected with PCDH15-related conditions. Algorithms developed to predict the effect of sequence changes on RNA splicing suggest that this variant may disrupt the consensus splice site. In summary, the currently available evidence indicates that the variant is pathogenic, but additional data are needed to prove that conclusively. Therefore, this variant has been classified as Likely Pathogenic.

Literature cited by the submitters: PubMed 16199547; PubMed 11398101; PubMed 11487575; PubMed 14570705.

NM_001384140.1(PCDH15):c.2527-2A>G

Gene: PCDH15 (protocadherin related 15; minus strand). Cytogenetic location: 10q21.1.
Variant type: single nucleotide variant.
Coding change: c.2527-2A>G on transcript NM_001384140.1 (MANE Select); the canonical splice acceptor site of the intron before coding-DNA position 2527, A replaced by G.
Molecular consequence: splice acceptor variant.
Genome position (GRCh38, 1-based): chr10:54,020,418, T>C on the plus strand (A>G on the coding strand, the complement: PCDH15 is on the minus strand). VCF-style: chr10-54020418-T-C. GRCh37 (hg19) VCF-style: chr10-55780178-T-C.
Other names: c.2461-2A>G (NM_001142768.2, NM_001354404.2, NM_001142773.2); c.2416-2A>G (NM_001142767.2); c.2314-2A>G (NM_001142765.2); c.2527-2A>G (NM_001142766.2, NM_033056.4, NM_001142764.2 and 5 more transcripts); c.2542-2A>G (NM_001142763.2, NM_001142771.2); c.2548-2A>G (NM_001354411.2); c.2563-2A>G (NM_001142769.3).
Identifiers: ClinVar variation 4725034 (VCV004725034.1).